The following is an entry in ClinVar:

NM_173546.3(KLHDC8B):c.379G>A (p.Gly127Ser)

Gene: KLHDC8B (kelch domain containing 8B; plus strand). Cytogenetic location: 3p21.31.
Variant type: single nucleotide variant.
Coding change: c.379G>A on transcript NM_173546.3 (MANE Select); coding-DNA position 379, G replaced by A.
Protein change: p.Gly127Ser; replaces glycine 127 with serine.
Molecular consequence: missense variant.
Genome position (GRCh38, 1-based): chr3:49,174,241, G>A. VCF-style: chr3-49174241-G-A. GRCh37 (hg19) VCF-style: chr3-49211674-G-A.
Other names: short protein forms G127S.
Identifiers: ClinVar variation 2816409 (VCV002816409.3), dbSNP rs2470619705, ClinGen allele CA352776496.

ClinVar aggregate classification (germline): Uncertain significance (1 of 4 stars; one submission).

Submission:

Labcorp Genetics (formerly Invitae), Labcorp
Classification: Uncertain significance. Last evaluated: 2023-04-28. Review status: criteria provided, single submitter. Criteria: Invitae Variant Classification Sherloc (09022015). Collection method: clinical testing. Allele origin: germline.
Comment: In summary, the available evidence is currently insufficient to determine the role of this variant in disease. Therefore, it has been classified as a Variant of Uncertain Significance. Algorithms developed to predict the effect of sequence changes on RNA splicing suggest that this variant may create or strengthen a splice site. An algorithm developed to predict the effect of missense changes on protein structure and function (PolyPhen-2) suggests that this variant is likely to be disruptive. This variant has not been reported in the literature in individuals affected with KLHDC8B-related conditions. This variant is not present in population databases (gnomAD no frequency). This sequence change replaces glycine, which is neutral and non-polar, with serine, which is neutral and polar, at codon 127 of the KLHDC8B protein (p.Gly127Ser).